The following is an entry in ClinVar:

NM_001083961.2(WDR62):c.2091del (p.Ser698fs)

Gene: WDR62 (WD repeat domain 62; plus strand). Cytogenetic location: 19q13.12.
Variant type: Deletion.
Coding change: c.2091del on transcript NM_001083961.2 (MANE Select); coding-DNA position 2091, one base deleted (C; older notation c.2091delC).
Protein change: p.Ser698fs; shifts the reading frame from serine 698.
Molecular consequence: frameshift variant.
Genome position (GRCh38, 1-based): chr19:36,091,256, C deleted. VCF-style (leftmost placement, unchanged base first): chr19-36091255-TC-T. GRCh37 (hg19) VCF-style: chr19-36582157-TC-T.
Other names: c.2076del, p.Ser693fs (NM_001411145.1); c.2091del, p.Ser698fs (NM_001411146.1, NM_173636.5); c.1740del, p.Ser581fs (NM_001411147.1); short protein forms S698fs, S581fs, S693fs.
Identifiers: ClinVar variation 2846612 (VCV002846612.3), dbSNP rs2513649406, ClinGen allele CA2739276675.

ClinVar aggregate classification (germline): Pathogenic (1 of 4 stars; one submission).

Submission:

Labcorp Genetics (formerly Invitae), Labcorp
Classification: Pathogenic. Last evaluated: 2023-03-26. Review status: criteria provided, single submitter. Criteria: Invitae Variant Classification Sherloc (09022015). Collection method: clinical testing. Allele origin: germline.
Comment: For these reasons, this variant has been classified as Pathogenic. This variant has not been reported in the literature in individuals affected with WDR62-related conditions. This variant is not present in population databases (gnomAD no frequency). This sequence change creates a premature translational stop signal (p.Ser698Glnfs*2) in the WDR62 gene. It is expected to result in an absent or disrupted protein product. Loss-of-function variants in WDR62 are known to be pathogenic (PMID: 20729831).

Literature cited by the submitters: PubMed 20729831.